The following is an entry in ClinVar:

NM_007194.4(CHEK2):c.1126G>T (p.Gly376Ter)

Gene: CHEK2 (checkpoint kinase 2; minus strand). Cytogenetic location: 22q12.1.
Variant type: single nucleotide variant.
Coding change: c.1126G>T on transcript NM_007194.4 (MANE Select); coding-DNA position 1126, G replaced by T.
Protein change: p.Gly376Ter; replaces glycine 376 with a stop codon.
Molecular consequence: nonsense.
Genome position (GRCh38, 1-based): chr22:28,695,843, C>A on the plus strand (G>T on the coding strand, the complement: CHEK2 is on the minus strand). VCF-style: chr22-28695843-C-A. GRCh37 (hg19) VCF-style: chr22-29091831-C-A.
Other names: c.1126G>T (NM_007194.3); c.1255G>T, p.Gly419Ter (NM_001005735.3); c.463G>T, p.Gly155Ter (NM_001257387.3); c.925G>T, p.Gly309Ter (NM_001349956.3); c.1039G>T, p.Gly347Ter (NM_145862.3); short protein forms G155*, G419*, G376*, G309*, G347*.
Identifiers: ClinVar variation 2128744 (VCV002128744.6), dbSNP rs2145806157, ClinGen allele CA411097043.
Genomic context (GRCh38, chr22:28,695,843, plus strand): 5'-GAACTTCAGGCGCCAAGTAGGTGGGGGTTCCACATAAGGTTCTCATGAGAGAGGTCTCTC[C>A]CAAAATCTTGGAGTGCCCAAAATCAGTAATCTAAAATTCAGTACAAAAGGGAATAATGTT-3'

ClinVar aggregate classification (germline): Pathogenic/Likely pathogenic. Review status: criteria provided, multiple submitters, no conflicts (2 of 4 stars). 3 submissions from 3 submitters: Pathogenic (2); Likely pathogenic (1). Last evaluated 2023-09-04.

Conditions:
Familial cancer of breast. Also called: hereditary breast carcinoma; BREAST CANCER, FAMILIAL; Hereditary breast cancer. Identifiers: Orphanet 227535, MedGen C0346153, MONDO:0016419, OMIM 114480. Disease mechanism: loss of function.
CHEK2-related cancer predisposition (TPDS4). Also called: CHEK2-related cancer susceptibility; TUMOR PREDISPOSITION SYNDROME 4; CANCER PREDISPOSITION SYNDROME, CHEK2-RELATED. Identifiers: Orphanet 524, MedGen C5882668, MONDO:0700271, OMIM 609265.

Submissions (3):

Labcorp Genetics (formerly Invitae), Labcorp
Classification: Pathogenic for Familial cancer of breast. Last evaluated: 2023-09-04. Review status: criteria provided, single submitter. Criteria: Invitae Variant Classification Sherloc (09022015). Collection method: clinical testing. Allele origin: germline.
Comment: This sequence change creates a premature translational stop signal (p.Gly376*) in the CHEK2 gene. It is expected to result in an absent or disrupted protein product. Loss-of-function variants in CHEK2 are known to be pathogenic (PMID: 21876083, 24713400). This variant is not present in population databases (gnomAD no frequency). This variant has not been reported in the literature in individuals affected with CHEK2-related conditions. ClinVar contains an entry for this variant (Variation ID: 2128744). For these reasons, this variant has been classified as Pathogenic.

Baylor Genetics
Classification: Likely pathogenic for Familial cancer of breast. Last evaluated: 2023-04-10. Review status: criteria provided, single submitter. Criteria: ACMG Guidelines, 2015. Collection method: clinical testing. Allele origin: unknown.

Department of Pathology and Laboratory Medicine, Sinai Health System
Classification: Pathogenic for CHEK2-related cancer predisposition. Last evaluated: 2020-06-17. Review status: criteria provided, single submitter. Criteria: ACMG Guidelines, 2015. Collection method: clinical testing. Allele origin: germline. Affected: no.

Literature cited by the submitters: PubMed 21876083 (cited by Labcorp Genetics (formerly Invitae), Labcorp); PubMed 24713400 (cited by Labcorp Genetics (formerly Invitae), Labcorp).